The following is an entry in ClinVar:

NM_000288.4(PEX7):c.615C>T (p.Asp205=)

Gene: PEX7 (peroxisomal biogenesis factor 7; plus strand). Cytogenetic location: 6q23.3.
Variant type: single nucleotide variant.
Coding change: c.615C>T on transcript NM_000288.4 (MANE Select); coding-DNA position 615, C replaced by T.
Protein change: p.Asp205=; no amino-acid change (aspartic acid 205 retained).
Molecular consequence: synonymous variant.
Genome position (GRCh38, 1-based): chr6:136,866,715, C>T. VCF-style: chr6-136866715-C-T. GRCh37 (hg19) VCF-style: chr6-137187853-C-T.
Other names: p.Asp205=.
Identifiers: ClinVar variation 355532 (VCV000355532.66), dbSNP rs147298444, ClinGen allele CA4017665.

ClinVar aggregate classification (germline): Conflicting classifications of pathogenicity. Review status: criteria provided, conflicting classifications (1 of 4 stars). 14 submissions from 13 submitters: Uncertain significance (2); Benign (4); Likely benign (4). 4 of the submissions do not count toward it. Last evaluated 2026-02-01.

Conditions:
Inborn genetic diseases. Identifiers: MedGen C0950123, MeSH D030342.
PEX7-related disorder. Also called: PEX7-related condition; PEX7-related disorders. Identifiers: MedGen CN239409.
Rhizomelic chondrodysplasia punctata type 1 (RCDP1). Also called: PEROXISOME BIOGENESIS DISORDER 9; PEX7-Related Rhizomelic Chondrodysplasia Punctata; CHONDRODYSTROPHIA CALCIFICANS PUNCTATA. Identifiers: Orphanet 177, Orphanet 309789, MedGen C1859133, MONDO:0008972, OMIM 215100. Disease mechanism: loss of function.
Peroxisome biogenesis disorder 9B. Also called: PEX7-Related Refsum Disease; Refsum disease, adult, 2; PEROXISOME BIOGENESIS DISORDER, PEX7-RELATED, ATYPICAL. Identifiers: Orphanet 773, MedGen C2749346, MONDO:0013945, OMIM 614879.

Allele frequency attached by ClinVar (database versions not stated): gnomAD exomes 0.00058 and 0.00095; ExAC 0.00080; gnomAD 0.00080 and 0.00085; TOPMed 0.00086; ESP Exome Variant Server 0.00161.
gnomAD v4.1: 1,032 of 1,613,710 alleles (0.064%); highest among the groups gnomAD compares: Middle Eastern, 0.15%; 4 homozygotes.

Submissions (14):

Labcorp Genetics (formerly Invitae), Labcorp
Classification: Benign for Peroxisome biogenesis disorder 9B. Last evaluated: 2026-02-01. Review status: criteria provided, single submitter. Criteria: Invitae Variant Classification Sherloc (09022015). Collection method: clinical testing. Allele origin: germline.

Mayo Clinic Laboratories, Mayo Clinic
Classification: Likely benign. Last evaluated: 2025-04-22. Review status: criteria provided, single submitter. Criteria: ACMG Guidelines, 2015. Collection method: clinical testing. Allele origin: germline. Observed: 10 variant alleles.
Comment: BS1, BP4, BP7

Blueprint Genetics
Classification: Likely benign. Last evaluated: 2024-11-18. Review status: criteria provided, single submitter. Criteria: ACMG Guidelines, 2015. Collection method: clinical testing. Allele origin: germline.

CeGaT Center for Human Genetics Tuebingen
Classification: Likely benign. Last evaluated: 2022-06-01. Review status: criteria provided, single submitter. Criteria: CeGaT Center For Human Genetics Tuebingen Variant Classification Criteria Version 2. Collection method: clinical testing. Allele origin: germline. Affected: yes. Observed: 2 variant alleles.
Comment: PEX7: BP4, BP7

Ambry Genetics
Classification: Likely benign for Inborn genetic diseases. Last evaluated: 2022-05-14. Review status: criteria provided, single submitter. Criteria: Ambry Variant Classification Scheme 2023. Collection method: clinical testing. Allele origin: germline.

ARUP Laboratories, Molecular Genetics and Genomics, ARUP Laboratories
Classification: Benign. Last evaluated: 2018-12-10. Review status: criteria provided, single submitter. Criteria: ARUP Molecular Germline Variant Investigation Process. Collection method: clinical testing. Allele origin: germline.

Illumina Laboratory Services, Illumina
Classification: Uncertain significance for Rhizomelic chondrodysplasia punctata type 1. Last evaluated: 2018-01-13. Review status: criteria provided, single submitter. Criteria: ICSL Variant Classification Criteria 13 December 2019. Collection method: clinical testing. Allele origin: germline.

Illumina Laboratory Services, Illumina
Classification: Uncertain significance for Peroxisome biogenesis disorder 9B. Last evaluated: 2018-01-13. Review status: criteria provided, single submitter. Criteria: ICSL Variant Classification Criteria 13 December 2019. Collection method: clinical testing. Allele origin: germline.

GeneDx
Classification: Benign. Last evaluated: 2017-12-22. Review status: criteria provided, single submitter. Criteria: GeneDx Variant Classification (06012015). Collection method: clinical testing. Allele origin: germline. Affected: yes.
Comment: This variant is considered likely benign or benign based on one or more of the following criteria: it is a conservative change, it occurs at a poorly conserved position in the protein, it is predicted to be benign by multiple in silico algorithms, and/or has population frequency not consistent with disease.

Eurofins Ntd Llc (ga)
Classification: Benign. Last evaluated: 2016-12-05. Review status: criteria provided, single submitter. Criteria: EGL Classification Definitions 2015. Collection method: clinical testing. Allele origin: germline. Observed: 1 variant allele, 1 heterozygote.

Natera, Inc.
Classification: Uncertain significance for Rhizomelic chondrodysplasia punctata type 1. Last evaluated: 2020-01-17. Review status: no assertion criteria provided. Collection method: clinical testing. Allele origin: germline. Not counted in ClinVar's aggregate classification.

PreventionGenetics, part of Exact Sciences
Classification: Benign for PEX7-related condition. Last evaluated: 2019-06-03. Review status: no assertion criteria provided. Collection method: clinical testing. Allele origin: germline. Not counted in ClinVar's aggregate classification.
Comment: This variant is classified as benign based on ACMG/AMP sequence variant interpretation guidelines (Richards et al. 2015 PMID: 25741868, with internal and published modifications).

Clinical Genetics DNA and cytogenetics Diagnostics Lab, Erasmus MC, Erasmus Medical Center
Classification: Likely benign. Review status: no assertion criteria provided. Collection method: clinical testing. Allele origin: germline. Affected: yes. Study: VKGL Data-share Consensus. Not counted in ClinVar's aggregate classification.

Clinical Genetics, Academic Medical Center
Classification: Benign. Review status: no assertion criteria provided. Collection method: clinical testing. Allele origin: germline. Affected: yes. Study: VKGL Data-share Consensus. Not counted in ClinVar's aggregate classification.